The following is an entry in ClinVar:

ClinVar aggregate classification (germline): Pathogenic/Likely pathogenic. Review status: criteria provided, multiple submitters, no conflicts (2 of 4 stars). 4 submissions from 4 submitters: Pathogenic (3); Likely pathogenic (1). Last evaluated 2025-04-14.

Conditions:
Hereditary cancer-predisposing syndrome. Also called: Neoplastic Syndromes, Hereditary; Tumor predisposition; Hereditary Cancer Syndrome; Hereditary neoplastic syndrome. Identifiers: Orphanet 140162, MedGen C0027672, MeSH D009386, MONDO:0015356.
BAP1-related tumor predisposition syndrome (TPDS1). Also called: Tumor susceptibility linked to germline BAP1 mutations; BAP1 tumor predisposition syndrome; COMMON Syndrome; TUMOR PREDISPOSITION SYNDROME 1. Identifiers: Orphanet 289539, MedGen C3280492, MONDO:0013692, OMIM 614327.

Submissions (4):

Labcorp Genetics (formerly Invitae), Labcorp
Classification: Pathogenic for BAP1-related tumor predisposition syndrome. Last evaluated: 2025-04-14. Review status: criteria provided, single submitter. Criteria: Invitae Variant Classification Sherloc (09022015). Collection method: clinical testing. Allele origin: germline.
Comment: This sequence change creates a premature translational stop signal (p.Ser623Argfs*14) in the BAP1 gene. It is expected to result in an absent or disrupted protein product. Loss-of-function variants in BAP1 are known to be pathogenic (PMID: 21874000, 23684012). This variant is not present in population databases (gnomAD no frequency). This variant has not been reported in the literature in individuals affected with BAP1-related conditions. ClinVar contains an entry for this variant (Variation ID: 1781621). For these reasons, this variant has been classified as Pathogenic.

Ambry Genetics
Classification: Pathogenic for Hereditary cancer-predisposing syndrome. Last evaluated: 2024-09-23. Review status: criteria provided, single submitter. Criteria: Ambry Variant Classification Scheme 2023. Collection method: clinical testing. Allele origin: germline.
Comment: The c.1869delT pathogenic mutation, located in coding exon 14 of the BAP1 gene, results from a deletion of one nucleotide at nucleotide position 1869, causing a translational frameshift with a predicted alternate stop codon (p.S623Rfs*14). This variant is considered to be rare based on population cohorts in the Genome Aggregation Database (gnomAD). This alteration is expected to result in loss of function by premature protein truncation or nonsense-mediated mRNA decay. As such, this alteration is interpreted as a disease-causing mutation.

Myriad Genetics, Inc.
Classification: Pathogenic for BAP1-related tumor predisposition syndrome. Last evaluated: 2023-05-02. Review status: criteria provided, single submitter. Criteria: Myriad Autosomal Dominant, Autosomal Recessive and X-Linked Classification Criteria (2023). Collection method: clinical testing. Allele origin: unknown.
Comment: This variant is considered pathogenic. This variant creates a frameshift predicted to result in premature protein truncation.

Baylor Genetics
Classification: Likely pathogenic for BAP1-related tumor predisposition syndrome. Last evaluated: 2022-05-13. Review status: criteria provided, single submitter. Criteria: ACMG Guidelines, 2015. Collection method: clinical testing. Allele origin: unknown.

Literature cited by the submitters: PubMed 21874000 (cited by Labcorp Genetics (formerly Invitae), Labcorp); PubMed 23684012 (cited by Labcorp Genetics (formerly Invitae), Labcorp).

NM_004656.4(BAP1):c.1869del (p.Ser623fs)

Gene: BAP1 (BRCA1 associated deubiquitinase 1; minus strand). Cytogenetic location: 3p21.1.
Variant type: Deletion.
Coding change: c.1869del on transcript NM_004656.4 (MANE Select); coding-DNA position 1869, one base deleted (T; older notation c.1869delT).
Protein change: p.Ser623fs; shifts the reading frame from serine 623.
Molecular consequence: frameshift variant.
Genome position (GRCh38, 1-based): chr3:52,403,159, A deleted on the plus strand (T on the coding strand, the reverse complement: BAP1 is on the minus strand). VCF-style (leftmost placement, unchanged base first): chr3-52403158-CA-C. GRCh37 (hg19) VCF-style: chr3-52437174-CA-C.
Other names: c.1815delT, p.Ser605Argfs (NM_001410772.1); short protein forms S623fs.
Identifiers: ClinVar variation 1781621 (VCV001781621.8), dbSNP rs2471324551, ClinGen allele CA2580070209.